The following is an entry in ClinVar:

NM_000368.5(TSC1):c.2908G>C (p.Glu970Gln)

Gene: TSC1 (TSC complex subunit 1; minus strand). Cytogenetic location: 9q34.13.
Variant type: single nucleotide variant.
Coding change: c.2908G>C on transcript NM_000368.5 (MANE Select); coding-DNA position 2908, G replaced by C.
Protein change: p.Glu970Gln; replaces glutamic acid 970 with glutamine.
Molecular consequence: missense variant. On other transcripts: non-coding transcript variant (5).
Genome position (GRCh38, 1-based): chr9:132,897,251, C>G on the plus strand (G>C on the coding strand, the complement: TSC1 is on the minus strand). VCF-style: chr9-132897251-C-G. GRCh37 (hg19) VCF-style: chr9-135772638-C-G.
Other names: c.2905G>C, p.Glu969Gln (NM_001406597.1, NM_001406598.1, NM_001406599.1 and 2 more transcripts); c.2893G>C, p.Glu965Gln (NM_001406601.1, NM_001406602.1); c.2890G>C, p.Glu964Gln (NM_001406603.1, NM_001406604.1); c.2866G>C, p.Glu956Gln (NM_001406605.1, NM_001406606.1, NM_001406607.1); c.2545G>C, p.Glu849Gln (NM_001406616.1, NM_001406617.1, NM_001406618.1 and 4 more transcripts); c.2542G>C, p.Glu848Gln (NM_001406620.1, NM_001406621.1, NM_001406622.1 and 1 more transcripts); c.2503G>C, p.Glu835Gln (NM_001406624.1); c.2500G>C, p.Glu834Gln (NM_001406625.1); and 8 more; short protein forms E955Q, E956Q, E964Q, E969Q, E835Q, E619Q, E652Q, E834Q.
Identifiers: ClinVar variation 4709619 (VCV004709619.1).

ClinVar aggregate classification (germline): Uncertain significance (1 of 4 stars; one submission).

Conditions:
Tuberous sclerosis 1 (TSC1). Identifiers: Orphanet 805, MedGen C1854465, MONDO:0008612, OMIM 191100.

gnomAD v4.1: 2 of 1,614,236 alleles (0.00012%); highest among the groups gnomAD compares: South Asian, 0.0022%; no homozygotes.

Submission:

Labcorp Genetics (formerly Invitae), Labcorp
Classification: Uncertain significance for Tuberous sclerosis 1. Last evaluated: 2025-08-25. Review status: criteria provided, single submitter. Criteria: Invitae Variant Classification Sherloc (09022015). Collection method: clinical testing. Allele origin: germline.
Comment: This sequence change replaces glutamic acid, which is acidic and polar, with glutamine, which is neutral and polar, at codon 970 of the TSC1 protein (p.Glu970Gln). This variant is not present in population databases (gnomAD no frequency). This variant has not been reported in the literature in individuals affected with TSC1-related conditions. Invitae Evidence Modeling of protein sequence and biophysical properties (such as structural, functional, and spatial information, amino acid conservation, physicochemical variation, residue mobility, and thermodynamic stability) indicates that this missense variant is not expected to disrupt TSC1 protein function with a negative predictive value of 95%. In summary, the available evidence is currently insufficient to determine the role of this variant in disease. Therefore, it has been classified as a Variant of Uncertain Significance.